The following is an entry in ClinVar:

NM_001166108.2(PALLD):c.*168C>T

Genes: CBR4 (carbonyl reductase 4; minus strand), PALLD (palladin, cytoskeletal associated protein; plus strand). Cytogenetic location: 4q32.3.
Variant type: single nucleotide variant.
Coding change: c.*168C>T on transcript NM_001166108.2 (MANE Select); 168 bases downstream of the stop codon, C replaced by T.
Molecular consequence: 3 prime UTR variant. On other transcripts: missense variant (4).
Genome position (GRCh38, 1-based): chr4:168,926,348, C>T. VCF-style: chr4-168926348-C-T. GRCh37 (hg19) VCF-style: chr4-169847499-C-T.
Other names: c.2297C>T, p.Thr766Ile (NM_001166109.2); c.1982C>T, p.Thr661Ile (NM_001166110.2); c.*168C>T (NM_001367567.1, NM_001367570.1, NM_016081.4); c.1373C>T, p.Thr458Ile (NM_001367568.1); c.1322C>T, p.Thr441Ile (NM_001367569.1); short protein forms T661I, T441I, T458I, T766I.
Identifiers: ClinVar variation 4130396 (VCV004130396.1).

ClinVar aggregate classification (germline): Uncertain significance (1 of 4 stars; one submission).

Submission:

Ambry Genetics
Classification: Uncertain significance. Last evaluated: 2025-06-28. Review status: criteria provided, single submitter. Criteria: Ambry Variant Classification Scheme 2023. Collection method: clinical testing. Allele origin: germline.
Comment: The p.T661I variant (also known as c.1982C>T), located in coding exon 11 of the PALLD gene, results from a C to T substitution at nucleotide position 1982. The threonine at codon 661 is replaced by isoleucine, an amino acid with similar properties. This amino acid position is conserved. In addition, this alteration is predicted to be tolerated by in silico analysis. Based on the available evidence, the clinical significance of this variant remains unclear.